The following is an entry in ClinVar:

NM_002470.4(MYH3):c.5071G>C (p.Ala1691Pro)

Gene: MYH3 (myosin heavy chain 3; minus strand). Cytogenetic location: 17p13.1.
Variant type: single nucleotide variant.
Coding change: c.5071G>C on transcript NM_002470.4 (MANE Select); coding-DNA position 5071, G replaced by C.
Protein change: p.Ala1691Pro; replaces alanine 1691 with proline.
Molecular consequence: missense variant.
Genome position (GRCh38, 1-based): chr17:10,631,902, C>G on the plus strand (G>C on the coding strand, the complement: MYH3 is on the minus strand). VCF-style: chr17-10631902-C-G. GRCh37 (hg19) VCF-style: chr17-10535219-C-G.
Other names: short protein forms A1691P.
Identifiers: ClinVar variation 1699579 (VCV001699579.3), dbSNP rs770715754, ClinGen allele CA8392053.

ClinVar aggregate classification (germline): Uncertain significance. Review status: criteria provided, multiple submitters, no conflicts (2 of 4 stars). 2 submissions from 2 submitters: Uncertain significance (2). Last evaluated 2025-06-03.

Allele frequency attached by ClinVar (database versions not stated): TOPMed below 0.00001; gnomAD exomes 0.00001 and 0.00002; ExAC 0.00002.
gnomAD v4.1: 4 of 1,614,182 alleles (0.00025%); highest among the groups gnomAD compares: Admixed American, 0.0067%; no homozygotes.

Submissions (2):

Labcorp Genetics (formerly Invitae), Labcorp
Classification: Uncertain significance. Last evaluated: 2025-06-03. Review status: criteria provided, single submitter. Criteria: Invitae Variant Classification Sherloc (09022015). Collection method: clinical testing. Allele origin: germline.
Comment: This sequence change replaces alanine, which is neutral and non-polar, with proline, which is neutral and non-polar, at codon 1691 of the MYH3 protein (p.Ala1691Pro). This variant is present in population databases (rs770715754, gnomAD 0.01%). This variant has not been reported in the literature in individuals affected with MYH3-related conditions. ClinVar contains an entry for this variant (Variation ID: 1699579). Invitae Evidence Modeling of protein sequence and biophysical properties (such as structural, functional, and spatial information, amino acid conservation, physicochemical variation, residue mobility, and thermodynamic stability) indicates that this missense variant is not expected to disrupt MYH3 protein function with a negative predictive value of 95%. In summary, the available evidence is currently insufficient to determine the role of this variant in disease. Therefore, it has been classified as a Variant of Uncertain Significance.

GeneDx
Classification: Uncertain significance. Last evaluated: 2022-01-31. Review status: criteria provided, single submitter. Criteria: GeneDx Variant Classification Process June 2021. Collection method: clinical testing. Allele origin: germline. Affected: yes.
Comment: In silico analysis supports that this missense variant has a deleterious effect on protein structure/function; Has not been previously published as pathogenic or benign to our knowledge